The following is an entry in ClinVar:

NM_001201543.2(FAM161A):c.1967A>T (p.Asn656Ile)

Gene: FAM161A (FAM161 centrosomal protein A; minus strand). Cytogenetic location: 2p15.
Variant type: single nucleotide variant.
Coding change: c.1967A>T on transcript NM_001201543.2 (MANE Select); coding-DNA position 1967, A replaced by T.
Protein change: p.Asn656Ile; replaces asparagine 656 with isoleucine.
Molecular consequence: missense variant. On other transcripts: non-coding transcript variant (1).
Genome position (GRCh38, 1-based): chr2:61,827,143, T>A on the plus strand (A>T on the coding strand, the complement: FAM161A is on the minus strand). VCF-style: chr2-61827143-T-A. GRCh37 (hg19) VCF-style: chr2-62054278-T-A.
Other names: c.1799A>T, p.Asn600Ile (NM_032180.3); short protein forms N600I, N656I.
Identifiers: ClinVar variation 1053797 (VCV001053797.10), dbSNP rs770123645, ClinGen allele CA1678985.

ClinVar aggregate classification (germline): Uncertain significance. Review status: criteria provided, single submitter (1 of 4 stars). 2 submissions from 2 submitters: Uncertain significance (1). 1 of the submissions does not count toward it. Last evaluated 2023-07-07.

Conditions:
Retinitis pigmentosa 28 (RP28). Identifiers: Orphanet 791, MedGen C1419614, MONDO:0011630, OMIM 606068.

Allele frequency attached by ClinVar (database versions not stated): gnomAD 0.00001; gnomAD exomes 0.00001 and 0.00003; TOPMed 0.00002; ExAC 0.00004.
gnomAD v4.1: 24 of 1,613,842 alleles (0.0015%); highest among the groups gnomAD compares: Non-Finnish European, 0.0015%; no homozygotes.

Submissions (2):

Labcorp Genetics (formerly Invitae), Labcorp
Classification: Uncertain significance. Last evaluated: 2023-07-07. Review status: criteria provided, single submitter. Criteria: Invitae Variant Classification Sherloc (09022015). Collection method: clinical testing. Allele origin: germline.
Comment: This sequence change replaces asparagine, which is neutral and polar, with isoleucine, which is neutral and non-polar, at codon 656 of the FAM161A protein (p.Asn656Ile). This variant is present in population databases (rs770123645, gnomAD 0.006%). This variant has not been reported in the literature in individuals affected with FAM161A-related conditions. ClinVar contains an entry for this variant (Variation ID: 1053797). An algorithm developed to predict the effect of missense changes on protein structure and function (PolyPhen-2) suggests that this variant is likely to be tolerated. In summary, the available evidence is currently insufficient to determine the role of this variant in disease. Therefore, it has been classified as a Variant of Uncertain Significance.

Natera, Inc.
Classification: Uncertain significance for Retinitis pigmentosa type 28. Last evaluated: 2020-06-06. Review status: no assertion criteria provided. Collection method: clinical testing. Allele origin: germline. Not counted in ClinVar's aggregate classification.